The following is an entry in ClinVar:

NM_004260.4(RECQL4):c.3333G>C (p.Glu1111Asp)

Gene: RECQL4 (RecQ like helicase 4; minus strand). Cytogenetic location: 8q24.3.
Variant type: single nucleotide variant.
Coding change: c.3333G>C on transcript NM_004260.4 (MANE Select); coding-DNA position 3333, G replaced by C.
Protein change: p.Glu1111Asp; replaces glutamic acid 1111 with aspartic acid.
Molecular consequence: missense variant.
Genome position (GRCh38, 1-based): chr8:144,511,971, C>G on the plus strand (G>C on the coding strand, the complement: RECQL4 is on the minus strand). VCF-style: chr8-144511971-C-G. GRCh37 (hg19) VCF-style: chr8-145737354-C-G.
Other names: short protein forms E1111D.
Identifiers: ClinVar variation 1380205 (VCV001380205.6), dbSNP rs1324387645, ClinGen allele CA372668549.

ClinVar aggregate classification (germline): Uncertain significance (1 of 4 stars; one submission).

Conditions:
Baller-Gerold syndrome (BGS). Also called: CRANIOSYNOSTOSIS WITH RADIAL DEFECTS. Identifiers: Orphanet 1225, MedGen C0265308, MONDO:0009039, OMIM 218600.

Submission:

Labcorp Genetics (formerly Invitae), Labcorp
Classification: Uncertain significance for Baller-Gerold syndrome. Last evaluated: 2021-02-17. Review status: criteria provided, single submitter. Criteria: Invitae Variant Classification Sherloc (09022015). Collection method: clinical testing. Allele origin: germline.
Comment: This variant has not been reported in the literature in individuals with RECQL4-related conditions. This variant is not present in population databases (ExAC no frequency). This sequence change replaces glutamic acid with aspartic acid at codon 1111 of the RECQL4 protein (p.Glu1111Asp). The glutamic acid residue is highly conserved and there is a small physicochemical difference between glutamic acid and aspartic acid. Experimental studies and prediction algorithms are not available or were not evaluated, and the functional significance of this variant is currently unknown. In summary, the available evidence is currently insufficient to determine the role of this variant in disease. Therefore, it has been classified as a Variant of Uncertain Significance.